The following is an entry in ClinVar:

ClinVar aggregate classification (germline): Likely benign (0 of 4 stars; one submission).

Conditions:
PI4KA-related disorder. Also called: PI4KA-related condition; PI4KA-related disorders. Identifiers: MedGen CN378147, MONDO:1040012.

gnomAD v4.1: 186 of 1,608,768 alleles (0.012%); highest among the groups gnomAD compares: East Asian, 0.27%; no homozygotes.

Submission:

PreventionGenetics, part of Exact Sciences
Classification: Likely benign for PI4KA-related condition. Last evaluated: 2024-09-14. Review status: no assertion criteria provided. Collection method: clinical testing. Allele origin: germline.
Comment: This variant is classified as likely benign based on ACMG/AMP sequence variant interpretation guidelines (Richards et al. 2015 PMID: 25741868, with internal and published modifications).

NM_058004.4(PI4KA):c.2708+6C>T

Gene: PI4KA (phosphatidylinositol 4-kinase alpha; minus strand). Cytogenetic location: 22q11.21.
Variant type: single nucleotide variant.
Coding change: c.2708+6C>T on transcript NM_058004.4 (MANE Select); 6 bases into the intron after coding-DNA position 2708, C replaced by T.
Molecular consequence: intron variant.
Genome position (GRCh38, 1-based): chr22:20,764,811, G>A on the plus strand (C>T on the coding strand, the complement: PI4KA is on the minus strand). VCF-style: chr22-20764811-G-A. GRCh37 (hg19) VCF-style: chr22-21119099-G-A.
Other names: c.2642+6C>T (NM_001362863.2); c.2708+6C>T (NM_001362862.2).
Identifiers: ClinVar variation 3353489 (VCV003353489.1).
Genomic context (GRCh38, chr22:20,764,811, plus strand): 5'-GGCACAAAAATGAAAACCCTGCTCAAATGTGGATGTGCATGTGCATGGTGGTGAAGGCAC[G>A]TGTACCTCATGTACTCCAGCCGGTACACAGAGAGGAGGTAGGTGGACATGGCGAAGTCCA-3'